The following is an entry in ClinVar:

ClinVar aggregate classification (germline): Benign (1 of 4 stars; one submission).

Allele frequency attached by ClinVar (database versions not stated): gnomAD 0.09374 and 0.09734; 1000 Genomes Project 0.09445; 1000 Genomes Project 30x 0.09713; TOPMed 0.09909.
gnomAD v4.1: 14,200 of 152,124 alleles (9.3%); highest among the groups gnomAD compares: African/African-American, 21%; 1,079 homozygotes.

Submission:

GeneDx
Classification: Benign. Last evaluated: 2018-06-18. Review status: criteria provided, single submitter. Criteria: GeneDx Variant Classification (06012015). Collection method: clinical testing. Allele origin: germline. Affected: yes.
Comment: This variant is considered likely benign or benign based on one or more of the following criteria: it is a conservative change, it occurs at a poorly conserved position in the protein, it is predicted to be benign by multiple in silico algorithms, and/or has population frequency not consistent with disease.

NM_133642.5(LARGE1):c.1006-195G>A

Gene: LARGE1 (LARGE xylosyl- and glucuronyltransferase 1; minus strand). Cytogenetic location: 22q12.3.
Variant type: single nucleotide variant.
Coding change: c.1006-195G>A on transcript NM_133642.5 (MANE Select); 195 bases into the intron before coding-DNA position 1006, G replaced by A.
Molecular consequence: intron variant.
Genome position (GRCh38, 1-based): chr22:33,382,239, C>T on the plus strand (G>A on the coding strand, the complement: LARGE1 is on the minus strand). VCF-style: chr22-33382239-C-T. GRCh37 (hg19) VCF-style: chr22-33778225-C-T.
Other names: c.1006-195G>A (NM_001362953.2, NM_001362949.2, NM_001378627.1 and 7 more transcripts); c.403-195G>A (NM_001378631.1, NM_001378630.1).
Identifiers: ClinVar variation 683050 (VCV000683050.1), dbSNP rs16992223, ClinGen allele CA15998732.